The following is an entry in ClinVar:

ClinVar aggregate classification (germline): Uncertain significance (1 of 4 stars; one submission).

Allele frequency attached by ClinVar (database versions not stated): ExAC 0.00001; gnomAD exomes 0.00002; gnomAD 0.00003; TOPMed 0.00004.
gnomAD v4.1: 32 of 1,613,452 alleles (0.002%); highest among the groups gnomAD compares: African/African-American, 0.0093%; no homozygotes.

Submission:

Labcorp Genetics (formerly Invitae), Labcorp
Classification: Uncertain significance. Last evaluated: 2022-03-13. Review status: criteria provided, single submitter. Criteria: Invitae Variant Classification Sherloc (09022015). Collection method: clinical testing. Allele origin: germline.
Comment: This sequence change replaces asparagine, which is neutral and polar, with serine, which is neutral and polar, at codon 122 of the LTBP4 protein (p.Asn122Ser). This variant is present in population databases (rs772459148, gnomAD 0.01%). This variant has not been reported in the literature in individuals affected with LTBP4-related conditions. Experimental studies and prediction algorithms are not available or were not evaluated, and the functional significance of this variant is currently unknown. Algorithms developed to predict the effect of sequence changes on RNA splicing suggest that this variant may create or strengthen a splice site. In summary, the available evidence is currently insufficient to determine the role of this variant in disease. Therefore, it has been classified as a Variant of Uncertain Significance.

NM_001042545.2(LTBP4):c.275A>G (p.Asn92Ser)

Gene: LTBP4 (latent transforming growth factor beta binding protein 4; plus strand). Cytogenetic location: 19q13.2.
Variant type: single nucleotide variant.
Coding change: c.275A>G on transcript NM_001042545.2 (MANE Select); coding-DNA position 275, A replaced by G.
Protein change: p.Asn92Ser; replaces asparagine 92 with serine.
Molecular consequence: missense variant.
Genome position (GRCh38, 1-based): chr19:40,605,059, A>G. VCF-style: chr19-40605059-A-G. GRCh37 (hg19) VCF-style: chr19-41110965-A-G.
Other names: c.476A>G, p.Asn159Ser (NM_001042544.1); c.365A>G, p.Asn122Ser (NM_003573.2); short protein forms N92S, N159S, N122S.
Identifiers: ClinVar variation 1934361 (VCV001934361.2), dbSNP rs772459148, ClinGen allele CA9448000.
Genomic context (GRCh38, chr19:40,605,059, plus strand): 5'-TGGTGGCGCCCCTGAGTGTCCTCGTTCTCCTCCCAGTCCTGTGTCCCTTGATCTGTCACA[A>G]TGGCGGTGTGTGCGTGAAGCCTGACCGCTGCCTCTGTCCCCCGGACTTCGCTGGCAAGTT-3'
Protein context (NP_001036010.1, residues 82-102): RAFLCPLICH[Asn92Ser]GGVCVKPDRC